The following is an entry in ClinVar:

NM_014727.3(KMT2B):c.5107C>T (p.Leu1703Phe)

Gene: KMT2B (lysine methyltransferase 2B; plus strand). Cytogenetic location: 19q13.12.
Variant type: single nucleotide variant.
Coding change: c.5107C>T on transcript NM_014727.3 (MANE Select); coding-DNA position 5107, C replaced by T.
Protein change: p.Leu1703Phe; replaces leucine 1703 with phenylalanine.
Molecular consequence: missense variant.
Genome position (GRCh38, 1-based): chr19:35,730,372, C>T. VCF-style: chr19-35730372-C-T. GRCh37 (hg19) VCF-style: chr19-36221273-C-T.
Other names: short protein forms L1703F.
Identifiers: ClinVar variation 3115994 (VCV003115994.2), dbSNP rs2513345820, ClinGen allele CA405419453.

ClinVar aggregate classification (germline): Uncertain significance. Review status: criteria provided, multiple submitters, no conflicts (2 of 4 stars). 2 submissions from 2 submitters: Uncertain significance (2). Last evaluated 2025-10-24.

Conditions:
Inborn genetic diseases. Identifiers: MedGen C0950123, MeSH D030342.

Allele frequency attached by ClinVar (database versions not stated): gnomAD exomes below 0.00001.
gnomAD v4.1: 2 of 1,613,348 alleles (0.00012%); highest among the groups gnomAD compares: South Asian, 0.0011%; no homozygotes.

Submissions (2):

Labcorp Genetics (formerly Invitae), Labcorp
Classification: Uncertain significance. Last evaluated: 2025-10-24. Review status: criteria provided, single submitter. Criteria: Invitae Variant Classification Sherloc (09022015). Collection method: clinical testing. Allele origin: germline.
Comment: This sequence change replaces leucine, which is neutral and non-polar, with phenylalanine, which is neutral and non-polar, at codon 1703 of the KMT2B protein (p.Leu1703Phe). This variant is not present in population databases (gnomAD no frequency). This variant has not been reported in the literature in individuals affected with KMT2B-related conditions. ClinVar contains an entry for this variant (Variation ID: 3115994). Invitae Evidence Modeling of protein sequence and biophysical properties (such as structural, functional, and spatial information, amino acid conservation, physicochemical variation, residue mobility, and thermodynamic stability) indicates that this missense variant is expected to disrupt KMT2B protein function with a positive predictive value of 80%. In summary, the available evidence is currently insufficient to determine the role of this variant in disease. Therefore, it has been classified as a Variant of Uncertain Significance.

Ambry Genetics
Classification: Uncertain significance for Inborn genetic diseases. Last evaluated: 2024-03-05. Review status: criteria provided, single submitter. Criteria: Ambry Variant Classification Scheme 2023. Collection method: clinical testing. Allele origin: germline.